The following is an entry in ClinVar:

ClinVar aggregate classification (germline): Pathogenic. Review status: reviewed by expert panel (3 of 4 stars). 3 submissions from 3 submitters: Pathogenic (1). 2 of the submissions do not count toward it. Last evaluated 2016-10-18.

Conditions:
Hereditary breast ovarian cancer syndrome. Also called: Hereditary breast and ovarian cancer syndrome (HBOC); Breast and ovarian cancer; Hereditary breast and ovarian cancer syndrome; Hereditary breast and ovarian cancer; BRCA1- and BRCA2-Associated Hereditary Breast and Ovarian Cancer; Hereditary breast and/or ovarian cancer syndrome. Identifiers: Orphanet 145, MedGen C0677776, MeSH D061325, MONDO:0003582. Disease mechanism: loss of function.
Breast-ovarian cancer, familial, susceptibility to, 1 (BROVCA1). Also called: BRCA1 Hereditary Breast and Ovarian Cancer; OVARIAN CANCER, SUSCEPTIBILITY TO. Identifiers: Orphanet 145, MedGen C2676676, MONDO:0011450, OMIM 604370. Disease mechanism: loss of function.

Submissions (3):

Evidence-based Network for the Interpretation of Germline Mutant Alleles (ENIGMA)
Classification: Pathogenic for Breast-ovarian cancer, familial, susceptibility to, 1. Last evaluated: 2016-10-18. Review status: reviewed by expert panel. Criteria: ENIGMA BRCA1/2 Classification Criteria (2015). Collection method: curation. Allele origin: germline.
Comment: Variant allele predicted to encode a truncated non-functional protein.

Labcorp Genetics (formerly Invitae), Labcorp
Classification: Pathogenic for Hereditary breast ovarian cancer syndrome. Last evaluated: 2024-10-02. Review status: criteria provided, single submitter. Criteria: Invitae Variant Classification Sherloc (09022015). Collection method: clinical testing. Allele origin: germline. Not counted in ClinVar's aggregate classification.
Comment: This sequence change creates a premature translational stop signal (p.Val863Phefs*30) in the BRCA1 gene. It is expected to result in an absent or disrupted protein product. Loss-of-function variants in BRCA1 are known to be pathogenic (PMID: 20104584). This variant is not present in population databases (gnomAD no frequency). This variant has not been reported in the literature in individuals affected with BRCA1-related conditions. ClinVar contains an entry for this variant (Variation ID: 266283). For these reasons, this variant has been classified as Pathogenic.

Consortium of Investigators of Modifiers of BRCA1/2 (CIMBA), c/o University of Cambridge
Classification: Pathogenic for Breast-ovarian cancer, familial, susceptibility to, 1. Last evaluated: 2015-10-02. Review status: criteria provided, single submitter. Criteria: CIMBA Mutation Classification guidelines May 2016. Collection method: clinical testing. Allele origin: germline. Not counted in ClinVar's aggregate classification.

Literature cited by the submitters: PubMed 20104584 (cited by Labcorp Genetics (formerly Invitae), Labcorp).

NM_007294.4(BRCA1):c.2587del (p.Val863fs)

Gene: BRCA1 (BRCA1 DNA repair associated; minus strand). Cytogenetic location: 17q21.31.
Variant type: Deletion.
Coding change: c.2587del on transcript NM_007294.4 (MANE Select); coding-DNA position 2587, one base deleted (G; older notation c.2587delG).
Protein change: p.Val863fs; shifts the reading frame from valine 863.
Molecular consequence: frameshift variant. On other transcripts: intron variant (137).
Genome position (GRCh38, 1-based): chr17:43,092,944, C deleted on the plus strand (G on the coding strand, the reverse complement: BRCA1 is on the minus strand); the first of 2 consecutive C bases (chr17:43,092,944-43,092,945); deleting either gives the same sequence. VCF-style (leftmost placement, unchanged base first): chr17-43092943-AC-A. GRCh37 (hg19) VCF-style: chr17-41244960-AC-A.
Other names: 2706delG; c.2587del, p.Val863fs (NM_001407603.1, NM_001407605.1, NM_001407616.1 and 30 more transcripts); c.2584del, p.Val862fs (NM_001407610.1, NM_001407611.1, NM_001407612.1 and 22 more transcripts); c.2578del, p.Val860fs (NM_001407646.1, NM_001407647.1); c.2464del, p.Val822fs (NM_001407648.1, NM_001407664.1, NM_001407665.1 and 19 more transcripts); c.2461del, p.Val821fs (NM_001407649.1, NM_001407670.1, NM_001407671.1 and 11 more transcripts); c.2509del, p.Val837fs (NM_001407653.1, NM_001407654.1, NM_001407655.1 and 4 more transcripts); c.2506del, p.Val836fs (NM_001407659.1, NM_001407660.1, NM_001407661.1 and 1 more transcripts); and 43 more; short protein forms V816fs, V863fs, V735fs, V751fs, V774fs, V795fs, V796fs, V860fs.
Identifiers: ClinVar variation 266283 (VCV000266283.9), dbSNP rs886040053, ClinGen allele CA10589832.
Genomic context (GRCh38, chr17:43,092,943, plus strand): 5'-GCACATTCCTCTTCTGCATTTCCTGGATTTGAAAACGGAGCAAATGACTGGCGCTTTGAA[AC>A]CTTGAATGTATTCTGCAAATACTGAGCATCAAGTTCACTTTCTTCCATTTCTATGCTTGT-3'